The following is an entry in ClinVar:

NM_015072.5(TTLL5):c.401del (p.Leu134fs)

Gene: TTLL5 (tubulin tyrosine ligase like 5; plus strand). Cytogenetic location: 14q24.3.
Variant type: Deletion.
Coding change: c.401del on transcript NM_015072.5 (MANE Select); coding-DNA position 401, one base deleted (T; older notation c.401delT).
Protein change: p.Leu134fs; shifts the reading frame from leucine 134.
Molecular consequence: frameshift variant.
Genome position (GRCh38, 1-based): chr14:75,690,221, T deleted. VCF-style (leftmost placement, unchanged base first): chr14-75690220-CT-C. GRCh37 (hg19) VCF-style: chr14-76156563-CT-C.
Other names: c.401delT (NM_015072.4); short protein forms L134fs.
Identifiers: ClinVar variation 139514 (VCV000139514.7), dbSNP rs587777470, ClinGen allele CA210610.

ClinVar aggregate classification (germline): Pathogenic. Review status: criteria provided, single submitter (1 of 4 stars). 2 submissions from 2 submitters: Pathogenic (1). 1 of the submissions does not count toward it. Last evaluated 2025-06-16.

Conditions:
Cone-rod dystrophy 19 (CORD19). Identifiers: Orphanet 1872, MedGen C4014501, MONDO:0014372, OMIM 615860.

Allele frequency attached by ClinVar (database versions not stated): gnomAD exomes below 0.00001 and 0.00001; ExAC 0.00001.

Submissions (2):

Labcorp Genetics (formerly Invitae), Labcorp
Classification: Pathogenic. Last evaluated: 2025-06-16. Review status: criteria provided, single submitter. Criteria: Invitae Variant Classification Sherloc (09022015). Collection method: clinical testing. Allele origin: germline.
Comment: This sequence change creates a premature translational stop signal (p.Leu134Argfs*45) in the TTLL5 gene. It is expected to result in an absent or disrupted protein product. Loss-of-function variants in TTLL5 are known to be pathogenic (PMID: 24791901, 27162334). This variant is present in population databases (rs587777470, gnomAD 0.007%). This premature translational stop signal has been observed in individual(s) with retinal dystrophy (PMID: 24791901). ClinVar contains an entry for this variant (Variation ID: 139514). For these reasons, this variant has been classified as Pathogenic.

OMIM
Classification: Pathogenic for CONE-ROD DYSTROPHY 19. Last evaluated: 2014-05-01. Review status: no assertion criteria provided. Collection method: literature only. Allele origin: germline. Not counted in ClinVar's aggregate classification.

Literature cited by the submitters: PubMed 24791901 (cited by Labcorp Genetics (formerly Invitae), Labcorp and OMIM); PubMed 27162334 (cited by Labcorp Genetics (formerly Invitae), Labcorp).